The following is an entry in ClinVar:

NM_006739.4(MCM5):c.484C>T (p.Arg162Cys)

Gene: MCM5 (minichromosome maintenance complex component 5; plus strand). Cytogenetic location: 22q12.3.
Variant type: single nucleotide variant.
Coding change: c.484C>T on transcript NM_006739.4 (MANE Select); coding-DNA position 484, C replaced by T.
Protein change: p.Arg162Cys; replaces arginine 162 with cysteine.
Molecular consequence: missense variant.
Genome position (GRCh38, 1-based): chr22:35,406,613, C>T. VCF-style: chr22-35406613-C-T. GRCh37 (hg19) VCF-style: chr22-35802606-C-T.
Other names: short protein forms R162C.
Identifiers: ClinVar variation 3711822 (VCV003711822.2).
Genomic context (GRCh38, chr22:35,406,613, plus strand): 5'-TCGGACATGATGTCACACCTGGTGAAGATCCCTGGCATCATCATCGCGGCCTCTGCGGTC[C>T]GTGCCAAGGCCACCCGCATCTCTATCCAGTGCCGCAGCTGCCGCAACACCCTCACCAACA-3'
Protein context (NP_006730.2, residues 152-172): PGIIIAASAV[Arg162Cys]AKATRISIQC

ClinVar aggregate classification (germline): Uncertain significance (1 of 4 stars; one submission).

Submission:

Labcorp Genetics (formerly Invitae), Labcorp
Classification: Uncertain significance. Last evaluated: 2025-06-08. Review status: criteria provided, single submitter. Criteria: Invitae Variant Classification Sherloc (09022015). Collection method: clinical testing. Allele origin: germline.
Comment: This sequence change replaces arginine, which is basic and polar, with cysteine, which is neutral and slightly polar, at codon 162 of the MCM5 protein (p.Arg162Cys). This variant is present in population databases (rs573739349, gnomAD 0.007%). This variant has not been reported in the literature in individuals affected with MCM5-related conditions. ClinVar contains an entry for this variant (Variation ID: 3711822). Invitae Evidence Modeling of protein sequence and biophysical properties (such as structural, functional, and spatial information, amino acid conservation, physicochemical variation, residue mobility, and thermodynamic stability) indicates that this missense variant is not expected to disrupt MCM5 protein function with a negative predictive value of 80%. In summary, the available evidence is currently insufficient to determine the role of this variant in disease. Therefore, it has been classified as a Variant of Uncertain Significance.